The following is an entry in ClinVar:

NM_205850.3(SLC24A5):c.1345A>C (p.Ile449Leu)

Genes: MYEF2 (myelin expression factor 2; minus strand), SLC24A5 (solute carrier family 24 member 5; plus strand). Cytogenetic location: 15q21.1.
Variant type: single nucleotide variant.
Coding change: c.1345A>C on transcript NM_205850.3 (MANE Select); coding-DNA position 1345, A replaced by C.
Protein change: p.Ile449Leu; replaces isoleucine 449 with leucine.
Molecular consequence: missense variant. On other transcripts: 3 prime UTR variant (2).
Genome position (GRCh38, 1-based): chr15:48,142,193, A>C. VCF-style: chr15-48142193-A-C. GRCh37 (hg19) VCF-style: chr15-48434390-A-C.
Other names: c.*715T>G (NM_001301210.2, NM_016132.5); short protein forms I449L.
Identifiers: ClinVar variation 5029611 (VCV005029611.1).
Genomic context (GRCh38, chr15:48,142,193, plus strand): 5'-GCTCCTGCAGAAGTAAACAGCAGAGGACTAACTTACATAACCATCTCTCTCAACATTTCA[A>C]TTATTTTTCTTTTTTTAGCAGTTCACTTCAATGGCTGGAAACTAGACAGAAAGTTGGGAA-3'
Protein context (NP_995322.1, residues 439-459): TYITISLNIS[Ile449Leu]IFLFLAVHFN

ClinVar aggregate classification (germline): Uncertain significance (1 of 4 stars; one submission).

Conditions:
Inborn genetic diseases. Identifiers: MedGen C0950123, MeSH D030342.

gnomAD v4.1: 4 of 1,613,748 alleles (0.00025%); highest among the groups gnomAD compares: African/African-American, 0.004%; no homozygotes.

Submission:

Ambry Genetics
Classification: Uncertain significance for Inborn genetic diseases. Last evaluated: 2026-07-14. Review status: criteria provided, single submitter. Criteria: Ambry Variant Classification Scheme 2023. Collection method: clinical testing. Allele origin: germline.
Comment: The c.1345A>C (p.I449L) alteration is located in exon 9 (coding exon 9) of the SLC24A5 gene. This alteration results from a A to C substitution at nucleotide position 1345, causing the isoleucine (I) at amino acid position 449 to be replaced by a leucine (L). Based on data from gnomAD, the C allele has an overall frequency of 0.001% (2/279746) total alleles studied. The highest observed frequency was 0.008% (2/24946) of African alleles. Based on insufficient or conflicting evidence, the clinical significance of this alteration remains unclear.